The following is an entry in ClinVar:

NM_001204375.2(NPR3):c.688C>T (p.His230Tyr)

Genes: NPR3 (natriuretic peptide receptor 3; plus strand), LOC123493284 (Sharpr-MPRA regulatory region 158; plus strand). Cytogenetic location: 5p13.3.
Variant type: single nucleotide variant.
Coding change: c.688C>T on transcript NM_001204375.2 (MANE Select); coding-DNA position 688, C replaced by T.
Protein change: p.His230Tyr; replaces histidine 230 with tyrosine.
Molecular consequence: missense variant. On other transcripts: intron variant (4).
Genome position (GRCh38, 1-based): chr5:32,712,464, C>T. VCF-style: chr5-32712464-C-T. GRCh37 (hg19) VCF-style: chr5-32712570-C-T.
Other names: c.688C>T, p.His230Tyr (NM_000908.4); c.50-12234C>T (NM_001364458.2); c.121+1681C>T (NM_001363652.2, NM_001204376.2, NM_001364460.2); c.688C>T (NM_001204375.1); short protein forms H230Y.
Identifiers: ClinVar variation 1376340 (VCV001376340.8), dbSNP rs202144521, ClinGen allele CA3222403.

ClinVar aggregate classification (germline): Uncertain significance. Review status: criteria provided, multiple submitters, no conflicts (2 of 4 stars). 2 submissions from 2 submitters: Uncertain significance (2). Last evaluated 2024-09-11.

Conditions:
Inborn genetic diseases. Identifiers: MedGen C0950123, MeSH D030342.

Allele frequency attached by ClinVar (database versions not stated): gnomAD exomes 0.00005 and 0.00011; ExAC 0.00008; ESP Exome Variant Server 0.00008; TOPMed 0.00010; gnomAD 0.00011.

Submissions (2):

Ambry Genetics
Classification: Uncertain significance for Inborn genetic diseases. Last evaluated: 2024-09-11. Review status: criteria provided, single submitter. Criteria: Ambry Variant Classification Scheme 2023. Collection method: clinical testing. Allele origin: germline.

Labcorp Genetics (formerly Invitae), Labcorp
Classification: Uncertain significance. Last evaluated: 2024-01-22. Review status: criteria provided, single submitter. Criteria: Invitae Variant Classification Sherloc (09022015). Collection method: clinical testing. Allele origin: germline.
Comment: This sequence change replaces histidine, which is basic and polar, with tyrosine, which is neutral and polar, at codon 230 of the NPR3 protein (p.His230Tyr). This variant is present in population databases (rs202144521, gnomAD 0.01%). This variant has not been reported in the literature in individuals affected with NPR3-related conditions. ClinVar contains an entry for this variant (Variation ID: 1376340). Algorithms developed to predict the effect of missense changes on protein structure and function output the following: SIFT: "Not Available"; PolyPhen-2: "Benign"; Align-GVGD: "Not Available". The tyrosine amino acid residue is found in multiple mammalian species, which suggests that this missense change does not adversely affect protein function. In summary, the available evidence is currently insufficient to determine the role of this variant in disease. Therefore, it has been classified as a Variant of Uncertain Significance.